The following is an entry in ClinVar:

NC_000005.9:g.(?_151304035)_(151304110_?)del

Gene: GLRA1 (glycine receptor alpha 1; minus strand). Cytogenetic location: 5q33.1.
Variant type: Deletion.
Identifiers: ClinVar variation 2422535 (VCV002422535.2).

ClinVar aggregate classification (germline): Pathogenic (1 of 4 stars; one submission).

Conditions:
Hereditary hyperekplexia. Identifiers: Orphanet 3197, MedGen C4084968, MONDO:0021022.

Submission:

Labcorp Genetics (formerly Invitae), Labcorp
Classification: Pathogenic for Hereditary hyperekplexia. Last evaluated: 2022-08-15. Review status: criteria provided, single submitter. Criteria: Invitae Variant Classification Sherloc (09022015). Collection method: clinical testing. Allele origin: germline.
Comment: This variant is a gross deletion of the genomic region encompassing exon(s) 1 of the GLRA1 gene, which includes the initiator codon. This deletion extends beyond the assayed region for this gene and therefore may encompass additional genes. It is expected to result in an absent or disrupted protein product. Loss-of-function variants in GLRA1 are known to be pathogenic (PMID: 20631190, 24108130). This variant has not been reported in the literature in individuals affected with GLRA1-related conditions. For these reasons, this variant has been classified as Pathogenic.

Literature cited by the submitters: PubMed 20631190; PubMed 24108130.